The following is an entry in ClinVar:

NM_000059.4(BRCA2):c.9603G>A (p.Gly3201=)

Gene: BRCA2 (BRCA2 DNA repair associated; plus strand). Cytogenetic location: 13q13.1.
Variant type: single nucleotide variant.
Coding change: c.9603G>A on transcript NM_000059.4 (MANE Select); coding-DNA position 9603, G replaced by A.
Protein change: p.Gly3201=; no amino-acid change (glycine 3201 retained).
Molecular consequence: synonymous variant.
Genome position (GRCh38, 1-based): chr13:32,396,999, G>A. VCF-style: chr13-32396999-G-A. GRCh37 (hg19) VCF-style: chr13-32971136-G-A.
Identifiers: ClinVar variation 184527 (VCV000184527.16), dbSNP rs786201520, ClinGen allele CA026228.
Genomic context (GRCh38, chr13:32,396,999, plus strand): 5'-GCATATACTGCATGCAAATGATCCCAAGTGGTCCACCCCAACTAAAGACTGTACTTCAGG[G>A]CCGTACACTGCTCAAATCATTCCTGGTACAGGAAACAAGCTTCTGGTAAGTTAATGTAAA-3'
Protein context (NP_000050.3, residues 3191-3211): WSTPTKDCTS[Gly3201=]PYTAQIIPGT

ClinVar aggregate classification (germline): Likely benign. Review status: reviewed by expert panel (3 of 4 stars). 4 submissions from 4 submitters: Likely benign (1). 3 of the submissions do not count toward it. Last evaluated 2017-06-29.

Conditions:
Hereditary cancer-predisposing syndrome. Also called: Tumor predisposition; Hereditary Cancer Syndrome; Hereditary neoplastic syndrome; Neoplastic Syndromes, Hereditary. Identifiers: Orphanet 140162, MedGen C0027672, MeSH D009386, MONDO:0015356.
Hereditary breast ovarian cancer syndrome. Also called: Breast and ovarian cancer; Hereditary breast and ovarian cancer syndrome; Hereditary breast and ovarian cancer; BRCA1- and BRCA2-Associated Hereditary Breast and Ovarian Cancer; Hereditary breast and ovarian cancer syndrome (HBOC); Hereditary breast and/or ovarian cancer syndrome. Identifiers: Orphanet 145, MedGen C0677776, MeSH D061325, MONDO:0003582. Disease mechanism: loss of function.
Breast-ovarian cancer, familial, susceptibility to, 2 (BROVCA2). Also called: BRCA2 Hereditary Breast and Ovarian Cancer. Identifiers: Orphanet 145, MedGen C2675520, MONDO:0012933, OMIM 612555. Disease mechanism: loss of function.

Allele frequency attached by ClinVar (database versions not stated): gnomAD exomes below 0.00001.
gnomAD v4.1: 2 of 1,614,084 alleles (0.00012%); highest among the groups gnomAD compares: Non-Finnish European, 0.00017%; no homozygotes.

Submissions (4):

Evidence-based Network for the Interpretation of Germline Mutant Alleles (ENIGMA)
Classification: Likely benign for Breast-ovarian cancer, familial, susceptibility to, 2. Last evaluated: 2017-06-29. Review status: reviewed by expert panel. Criteria: ENIGMA BRCA1/2 Classification Criteria (2017-06-29). Collection method: curation. Allele origin: germline.
Comment: Synonymous substitution variant, with low bioinformatic likelihood to result in a splicing aberration (Splicing prior probability 0.02).

Women's Health and Genetics/Laboratory Corporation of America, LabCorp
Classification: Likely benign. Last evaluated: 2024-12-06. Review status: criteria provided, single submitter. Criteria: LabCorp Variant Classification Summary - May 2015. Collection method: clinical testing. Allele origin: germline. Not counted in ClinVar's aggregate classification.

Labcorp Genetics (formerly Invitae), Labcorp
Classification: Likely benign for Hereditary breast ovarian cancer syndrome. Last evaluated: 2024-05-04. Review status: criteria provided, single submitter. Criteria: Invitae Variant Classification Sherloc (09022015). Collection method: clinical testing. Allele origin: germline. Not counted in ClinVar's aggregate classification.

Ambry Genetics
Classification: Likely benign for Hereditary cancer-predisposing syndrome. Last evaluated: 2021-07-05. Review status: criteria provided, single submitter. Criteria: Ambry Variant Classification Scheme 2023. Collection method: clinical testing. Allele origin: germline. Not counted in ClinVar's aggregate classification.